The following is an entry in ClinVar:

NM_001375405.1(CEP120):c.2659G>A (p.Ala887Thr)

Gene: CEP120 (centrosomal protein 120; minus strand). Cytogenetic location: 5q23.2.
Variant type: single nucleotide variant.
Coding change: c.2659G>A on transcript NM_001375405.1 (MANE Select); coding-DNA position 2659, G replaced by A.
Protein change: p.Ala887Thr; replaces alanine 887 with threonine.
Molecular consequence: missense variant. On other transcripts: non-coding transcript variant (1).
Genome position (GRCh38, 1-based): chr5:123,350,011, C>T on the plus strand (G>A on the coding strand, the complement: CEP120 is on the minus strand). VCF-style: chr5-123350011-C-T. GRCh37 (hg19) VCF-style: chr5-122685705-C-T.
Other names: c.2581G>A, p.Ala861Thr (NM_001166226.2); c.2524G>A, p.Ala842Thr (NM_001375406.1); c.2659G>A, p.Ala887Thr (NM_001375407.1, NM_153223.4); c.2086G>A, p.Ala696Thr (NM_001375408.1, NM_001375409.1); short protein forms A842T, A887T, A696T, A861T.
Identifiers: ClinVar variation 2053619 (VCV002053619.1), dbSNP rs370748677, ClinGen allele CA3386563.
Genomic context (GRCh38, chr5:123,350,011, plus strand): 5'-ATTCATTTCTTATATCCAACAATTCTTGTCGCTCGGTTTTTACTGTATCTTTTTCCTCAG[C>T]GGCAAGGTAACGTAGTCTCATCTGTTCCAATTCTTCCTGCTGTTTTTTAAGACGAGCCAT-3'
Protein context (NP_001362334.1, residues 877-897): LEQMRLRYLA[Ala887Thr]EEKDTVKTER

ClinVar aggregate classification (germline): Uncertain significance (1 of 4 stars; one submission).

Conditions:
Short-rib thoracic dysplasia 13 with or without polydactyly (SRTD13). Identifiers: Orphanet 474, MedGen C4225378, MONDO:0014577, OMIM 616300.

Allele frequency attached by ClinVar (database versions not stated): ExAC 0.00002; TOPMed 0.00003; gnomAD 0.00005.
gnomAD v4.1: 40 of 1,613,534 alleles (0.0025%); highest among the groups gnomAD compares: Admixed American, 0.0033%; no homozygotes.

Submission:

Labcorp Genetics (formerly Invitae), Labcorp
Classification: Uncertain significance for Short-rib thoracic dysplasia 13 with or without polydactyly. Last evaluated: 2022-09-12. Review status: criteria provided, single submitter. Criteria: Invitae Variant Classification Sherloc (09022015). Collection method: clinical testing. Allele origin: germline.
Comment: This sequence change replaces alanine, which is neutral and non-polar, with threonine, which is neutral and polar, at codon 887 of the CEP120 protein (p.Ala887Thr). This variant is present in population databases (rs370748677, gnomAD 0.008%). This variant has not been reported in the literature in individuals affected with CEP120-related conditions. Advanced modeling of protein sequence and biophysical properties (such as structural, functional, and spatial information, amino acid conservation, physicochemical variation, residue mobility, and thermodynamic stability) performed at Invitae indicates that this missense variant is not expected to disrupt CEP120 protein function. In summary, the available evidence is currently insufficient to determine the role of this variant in disease. Therefore, it has been classified as a Variant of Uncertain Significance.